The following is an entry in ClinVar:

ClinVar aggregate classification (germline): Conflicting classifications of pathogenicity. Review status: criteria provided, conflicting classifications (1 of 4 stars). 3 submissions from 3 submitters: Uncertain significance (1); Likely benign (2). Last evaluated 2025-01-22.

Allele frequency attached by ClinVar (database versions not stated): gnomAD 0.00001 and 0.00002; ExAC 0.00002; gnomAD exomes 0.00002; TOPMed 0.00003.
gnomAD v4.1: 81 of 1,613,614 alleles (0.005%); highest among the groups gnomAD compares: South Asian, 0.0066%; no homozygotes.

Submissions (3):

Labcorp Genetics (formerly Invitae), Labcorp
Classification: Uncertain significance. Last evaluated: 2025-01-22. Review status: criteria provided, single submitter. Criteria: Invitae Variant Classification Sherloc (09022015). Collection method: clinical testing. Allele origin: germline.
Comment: This sequence change replaces alanine, which is neutral and non-polar, with threonine, which is neutral and polar, at codon 629 of the AHDC1 protein (p.Ala629Thr). This variant is present in population databases (rs755324255, gnomAD 0.004%). This variant has not been reported in the literature in individuals affected with AHDC1-related conditions. ClinVar contains an entry for this variant (Variation ID: 1334969). An algorithm developed to predict the effect of missense changes on protein structure and function (PolyPhen-2) suggests that this variant is likely to be disruptive. In summary, the available evidence is currently insufficient to determine the role of this variant in disease. Therefore, it has been classified as a Variant of Uncertain Significance.

Blueprint Genetics
Classification: Likely benign. Last evaluated: 2023-12-20. Review status: criteria provided, single submitter. Criteria: ACMG Guidelines, 2015. Collection method: clinical testing. Allele origin: germline.

CeGaT Center for Human Genetics Tuebingen
Classification: Likely benign. Last evaluated: 2021-11-01. Review status: criteria provided, single submitter. Criteria: CeGaT Center For Human Genetics Tuebingen Variant Classification Criteria Version 2. Collection method: clinical testing. Allele origin: germline. Affected: yes. Observed: 1 variant allele.

NM_001371928.1(AHDC1):c.1885G>A (p.Ala629Thr)

Gene: AHDC1 (AT-hook DNA binding motif containing 1; minus strand). Cytogenetic location: 1p36.11.
Variant type: single nucleotide variant.
Coding change: c.1885G>A on transcript NM_001371928.1 (MANE Select); coding-DNA position 1885, G replaced by A.
Protein change: p.Ala629Thr; replaces alanine 629 with threonine.
Molecular consequence: missense variant.
Genome position (GRCh38, 1-based): chr1:27,550,231, C>T on the plus strand (G>A on the coding strand, the complement: AHDC1 is on the minus strand). VCF-style: chr1-27550231-C-T. GRCh37 (hg19) VCF-style: chr1-27876742-C-T.
Other names: c.1885G>A, p.Ala629Thr (NM_001029882.3); short protein forms A629T.
Identifiers: ClinVar variation 1334969 (VCV001334969.38), dbSNP rs755324255, ClinGen allele CA715871.